The following is an entry in ClinVar:

NM_020949.3(SLC7A14):c.161C>T (p.Thr54Ile)

Genes: SLC7A14 (solute carrier family 7 member 14; minus strand), SLC7A14-AS1 (SLC7A14 antisense RNA 1; plus strand). Cytogenetic location: 3q26.2.
Variant type: single nucleotide variant.
Coding change: c.161C>T on transcript NM_020949.3 (MANE Select); coding-DNA position 161, C replaced by T.
Protein change: p.Thr54Ile; replaces threonine 54 with isoleucine.
Molecular consequence: missense variant.
Genome position (GRCh38, 1-based): chr3:170,526,776, G>A on the plus strand (C>T on the coding strand, the complement: SLC7A14 is on the minus strand). VCF-style: chr3-170526776-G-A. GRCh37 (hg19) VCF-style: chr3-170244565-G-A.
Other names: short protein forms T54I.
Identifiers: ClinVar variation 4761945 (VCV004761945.1).
Genomic context (GRCh38, chr3:170,526,776, plus strand): 5'-ACCACATACATGCCAGTGCCCACACAGCTGCCAACGCCAAGAGAGATGAGGTCCACTGTG[G>A]TGAGTACCTGGGCTAGCTTAGTTCCATGTGCCGTGGTGGTCCCAGTTCCCTCTAGCATGG-3'
Protein context (NP_066000.2, residues 44-64): AHGTKLAQVL[Thr54Ile]TVDLISLGVG

ClinVar aggregate classification (germline): Uncertain significance (1 of 4 stars; one submission).

gnomAD v4.1: 5 of 1,614,254 alleles (0.00031%); highest among the groups gnomAD compares: African/African-American, 0.0067%; no homozygotes.

Submission:

Labcorp Genetics (formerly Invitae), Labcorp
Classification: Uncertain significance. Last evaluated: 2025-04-11. Review status: criteria provided, single submitter. Criteria: Invitae Variant Classification Sherloc (09022015). Collection method: clinical testing. Allele origin: germline.
Comment: This sequence change replaces threonine, which is neutral and polar, with isoleucine, which is neutral and non-polar, at codon 54 of the SLC7A14 protein (p.Thr54Ile). This variant is present in population databases (no rsID available, gnomAD 0.007%). This variant has not been reported in the literature in individuals affected with SLC7A14-related conditions. An algorithm developed to predict the effect of missense changes on protein structure and function (PolyPhen-2) suggests that this variant is likely to be disruptive. In summary, the available evidence is currently insufficient to determine the role of this variant in disease. Therefore, it has been classified as a Variant of Uncertain Significance.